The following is an entry in ClinVar:

NM_000277.3(PAH):c.1111A>T (p.Lys371Ter)

Gene: PAH (phenylalanine hydroxylase; minus strand). Cytogenetic location: 12q23.2.
Variant type: single nucleotide variant.
Coding change: c.1111A>T on transcript NM_000277.3 (MANE Select); coding-DNA position 1111, A replaced by T.
Protein change: p.Lys371Ter; replaces lysine 371 with a stop codon.
Molecular consequence: nonsense.
Genome position (GRCh38, 1-based): chr12:102,843,734, T>A on the plus strand (A>T on the coding strand, the complement: PAH is on the minus strand). VCF-style: chr12-102843734-T-A. GRCh37 (hg19) VCF-style: chr12-103237512-T-A.
Other names: c.1111A>T, p.Lys371Ter (NM_001354304.2); short protein forms K371*.
Identifiers: ClinVar variation 1724704 (VCV001724704.2), dbSNP rs2499614171, ClinGen allele CA386493285.

ClinVar aggregate classification (germline): Likely pathogenic (1 of 4 stars; one submission).

Conditions:
Phenylketonuria (PKU). Also called: Phenylketonurias; FOLLING DISEASE; Phenylketonuria (PKU); OLIGOPHRENIA PHENYLPYRUVICA. Identifiers: Orphanet 716, MedGen C0031485, MONDO:0009861, OMIM 261600. Disease mechanism: loss of function.

Submission:

Myriad Genetics, Inc.
Classification: Likely pathogenic for Phenylketonuria. Last evaluated: 2022-02-25. Review status: criteria provided, single submitter. Criteria: Myriad Women's Health Autosomal Recessive and X-Linked Classification Criteria (2021). Collection method: clinical testing. Allele origin: unknown.
Comment: NM_000277.1(PAH):c.1111A>T(K371*) is expected to be pathogenic in the context of phenylalanine hydroxylase deficiency. This variant is predicted to lead to an abnormal or absent protein product due to the creation of a premature termination codon in PAH, a gene where loss-of-function variants are known to be pathogenic. Please note: this variant was assessed in the context of healthy population screening.